The following is an entry in ClinVar:

ClinVar aggregate classification (germline): Benign (1 of 4 stars; one submission).

Conditions:
Familial cancer of breast. Also called: hereditary breast carcinoma; Hereditary breast cancer; BREAST CANCER, FAMILIAL. Identifiers: Orphanet 227535, MedGen C0346153, MONDO:0016419, OMIM 114480. Disease mechanism: loss of function.

Submission:

Myriad Genetics, Inc.
Classification: Benign for Familial cancer of breast. Last evaluated: 2024-07-18. Review status: criteria provided, single submitter. Criteria: Myriad Autosomal Dominant, Autosomal Recessive and X-Linked Classification Criteria (2023). Collection method: clinical testing. Allele origin: unknown.
Comment: This variant is considered benign. This variant is a silent/synonymous amino acid change and it is not expected to impact splicing.

NM_000465.4(BARD1):c.21G>C (p.Pro7=)

Gene: BARD1 (BRCA1 associated RING domain 1; minus strand). Cytogenetic location: 2q35.
Variant type: single nucleotide variant.
Coding change: c.21G>C on transcript NM_000465.4 (MANE Select); coding-DNA position 21, G replaced by C.
Protein change: p.Pro7=; no amino-acid change (proline 7 retained).
Molecular consequence: synonymous variant. On other transcripts: non-coding transcript variant (3).
Genome position (GRCh38, 1-based): chr2:214,809,549, C>G on the plus strand (G>C on the coding strand, the complement: BARD1 is on the minus strand). VCF-style: chr2-214809549-C-G. GRCh37 (hg19) VCF-style: chr2-215674273-C-G.
Other names: c.21G>C, p.Pro7= (NM_001282543.2, NM_001282545.2, NM_001282548.2 and 1 more transcripts).
Identifiers: ClinVar variation 3378724 (VCV003378724.1).
Genomic context (GRCh38, chr2:214,809,549, plus strand): 5'-TTCCATGGCGGGCGCGGAACGAGGCTCGTTCCCGGAGCGGATCCTCGGCTGCCGGTTCCT[C>G]GGCTGCCGATTATCCGGCATCGTCCCGCCTTCGGATGAAAGGCTCCTCGCAGAGCGGGAA-3'
Protein context (NP_000456.2, residues 1-17): MPDNRQ[Pro7=]RNRQPRIRSG